The following is an entry in ClinVar:

NM_001160372.4(TRAPPC9):c.125G>A (p.Ser42Asn)

Gene: TRAPPC9 (trafficking protein particle complex subunit 9; minus strand). Cytogenetic location: 8q24.3.
Variant type: single nucleotide variant.
Coding change: c.125G>A on transcript NM_001160372.4 (MANE Select); coding-DNA position 125, G replaced by A.
Protein change: p.Ser42Asn; replaces serine 42 with asparagine.
Molecular consequence: missense variant. On other transcripts: non-coding transcript variant (1).
Genome position (GRCh38, 1-based): chr8:140,451,249, C>T on the plus strand (G>A on the coding strand, the complement: TRAPPC9 is on the minus strand). VCF-style: chr8-140451249-C-T. GRCh37 (hg19) VCF-style: chr8-141461348-C-T.
Other names: c.125G>A, p.Ser42Asn (NM_001321646.2, NM_001374682.1, NM_001374683.1 and 2 more transcripts); short protein forms S42N.
Identifiers: ClinVar variation 1311913 (VCV001311913.5), dbSNP rs754644350, ClinGen allele CA4893795.

ClinVar aggregate classification (germline): Uncertain significance. Review status: criteria provided, multiple submitters, no conflicts (2 of 4 stars). 3 submissions from 3 submitters: Uncertain significance (3). Last evaluated 2025-01-08.

Allele frequency attached by ClinVar (database versions not stated): gnomAD exomes 0.00009 and 0.00020; TOPMed 0.00011; ExAC 0.00020.
gnomAD v4.1: 60 of 1,613,606 alleles (0.0037%); highest among the groups gnomAD compares: Admixed American, 0.1%; no homozygotes.

Submissions (3):

Women's Health and Genetics/Laboratory Corporation of America, LabCorp
Classification: Uncertain significance. Last evaluated: 2025-01-08. Review status: criteria provided, single submitter. Criteria: LabCorp Variant Classification Summary - May 2015. Collection method: clinical testing. Allele origin: germline.
Comment: Variant summary: TRAPPC9 c.125G>A (p.Ser42Asn) results in a conservative amino acid change in the encoded protein sequence. Three of five in-silico tools predict a benign effect of the variant on protein function. The variant allele was found at a frequency of 0.0002 in 250772 control chromosomes. This frequency is not significantly higher than estimated for a pathogenic variant in TRAPPC9 causing Intellectual Disability, Autosomal Recessive 13, allowing no conclusion about variant significance. To our knowledge, no occurrence of c.125G>A in individuals affected with Intellectual Disability, Autosomal Recessive 13 and no experimental evidence demonstrating its impact on protein function have been reported. ClinVar contains an entry for this variant (Variation ID: 1311913). Based on the evidence outlined above, the variant was classified as uncertain significance.

Labcorp Genetics (formerly Invitae), Labcorp
Classification: Uncertain significance. Last evaluated: 2022-10-17. Review status: criteria provided, single submitter. Criteria: Invitae Variant Classification Sherloc (09022015). Collection method: clinical testing. Allele origin: germline.
Comment: This sequence change replaces serine, which is neutral and polar, with asparagine, which is neutral and polar, at codon 140 of the TRAPPC9 protein (p.Ser140Asn). This variant is present in population databases (rs754644350, gnomAD 0.1%). This variant has not been reported in the literature in individuals affected with TRAPPC9-related conditions. ClinVar contains an entry for this variant (Variation ID: 1311913). Algorithms developed to predict the effect of missense changes on protein structure and function output the following: SIFT: "Not Available"; PolyPhen-2: "Benign"; Align-GVGD: "Not Available". The asparagine amino acid residue is found in multiple mammalian species, which suggests that this missense change does not adversely affect protein function. In summary, the available evidence is currently insufficient to determine the role of this variant in disease. Therefore, it has been classified as a Variant of Uncertain Significance.

GeneDx
Classification: Uncertain significance. Last evaluated: 2020-01-17. Review status: criteria provided, single submitter. Criteria: GeneDx Variant Classification Process June 2021. Collection method: clinical testing. Allele origin: germline. Affected: yes.
Comment: In silico analysis, which includes protein predictors and evolutionary conservation, supports that this variant does not alter protein structure/function; Has not been previously published as pathogenic or benign to our knowledge